The following is an entry in ClinVar:

NM_001384732.1(CPLANE1):c.2544G>C (p.Gln848His)

Gene: CPLANE1 (ciliogenesis and planar polarity effector complex subunit 1; minus strand). Cytogenetic location: 5p13.2.
Variant type: single nucleotide variant.
Coding change: c.2544G>C on transcript NM_001384732.1 (MANE Select); coding-DNA position 2544, G replaced by C.
Protein change: p.Gln848His; replaces glutamine 848 with histidine.
Molecular consequence: missense variant.
Genome position (GRCh38, 1-based): chr5:37,224,290, C>G on the plus strand (G>C on the coding strand, the complement: CPLANE1 is on the minus strand). VCF-style: chr5-37224290-C-G. GRCh37 (hg19) VCF-style: chr5-37224392-C-G.
Other names: c.2544G>C, p.Gln848His (NM_023073.4); short protein forms Q848H.
Identifiers: ClinVar variation 1008209 (VCV001008209.7), dbSNP rs199749415, ClinGen allele CA3239033.
Genomic context (GRCh38, chr5:37,224,290, plus strand): 5'-CATATTTTTTAACACTCTCTTACCTTTCTCTTCGATTTCTTGTAGAGCTTTTTTCCACAG[C>G]TGAACAGACTTTTCATATGATCCTAATAAAAAACATTCTTCCCCTAGAAAGTTTTTAACC-3'
Protein context (NP_001371661.1, residues 838-858): FLLGSYEKSV[Gln848His]LWKKALQEIE

ClinVar aggregate classification (germline): Uncertain significance. Review status: criteria provided, multiple submitters, no conflicts (2 of 4 stars). 4 submissions from 4 submitters: Uncertain significance (4). Last evaluated 2024-10-09.

Conditions:
Orofaciodigital syndrome type 6 (OFD6). Also called: OROFACIODIGITAL SYNDROME VI; OFDS VI; POLYDACTYLY, CLEFT LIP/PALATE OR LINGUAL LUMP, AND PSYCHOMOTOR RETARDATION; VARADI SYNDROME; VARADI-PAPP SYNDROME; Oral-facial-digital syndrome type 6. Identifiers: Orphanet 2754, MedGen C2745997, MONDO:0010176, OMIM 277170.
Joubert syndrome 17 (JBTS17). Identifiers: Orphanet 475, MedGen C3553264, MONDO:0013824, OMIM 614615.
Inborn genetic diseases. Identifiers: MedGen C0950123, MeSH D030342.

Allele frequency attached by ClinVar (database versions not stated): gnomAD 0.00003 and 0.00004; TOPMed 0.00003; gnomAD exomes 0.00007; ExAC 0.00009.
gnomAD v4.1: 239 of 1,549,466 alleles (0.015%); highest among the groups gnomAD compares: Non-Finnish European, 0.02%; no homozygotes.

Submissions (4):

GeneDx
Classification: Uncertain significance. Last evaluated: 2024-10-09. Review status: criteria provided, single submitter. Criteria: GeneDx Variant Classification Process June 2021. Collection method: clinical testing. Allele origin: germline. Affected: yes.
Comment: Not observed at significant frequency in large population cohorts (gnomAD); In silico analysis indicates that this missense variant does not alter protein structure/function; Has not been previously published as pathogenic or benign to our knowledge

Labcorp Genetics (formerly Invitae), Labcorp
Classification: Uncertain significance. Last evaluated: 2022-11-22. Review status: criteria provided, single submitter. Criteria: Invitae Variant Classification Sherloc (09022015). Collection method: clinical testing. Allele origin: germline.
Comment: In summary, the available evidence is currently insufficient to determine the role of this variant in disease. Therefore, it has been classified as a Variant of Uncertain Significance. Advanced modeling of protein sequence and biophysical properties (such as structural, functional, and spatial information, amino acid conservation, physicochemical variation, residue mobility, and thermodynamic stability) performed at Invitae indicates that this missense variant is not expected to disrupt CPLANE1 protein function. ClinVar contains an entry for this variant (Variation ID: 1008209). This variant has not been reported in the literature in individuals affected with CPLANE1-related conditions. This variant is present in population databases (rs199749415, gnomAD 0.01%). This sequence change replaces glutamine, which is neutral and polar, with histidine, which is basic and polar, at codon 848 of the CPLANE1 protein (p.Gln848His).

Ambry Genetics
Classification: Uncertain significance for Inborn genetic diseases. Last evaluated: 2022-11-14. Review status: criteria provided, single submitter. Criteria: Ambry Variant Classification Scheme 2023. Collection method: clinical testing. Allele origin: germline.

Fulgent Genetics
Classification: Uncertain significance for Orofaciodigital syndrome type 6; Joubert syndrome 17. Last evaluated: 2022-05-05. Review status: criteria provided, single submitter. Criteria: ACMG Guidelines, 2015. Collection method: clinical testing. Allele origin: unknown.